The following is an entry in ClinVar:

NM_001244008.2(KIF1A):c.4813C>T (p.Pro1605Ser)

Gene: KIF1A (kinesin family member 1A; minus strand). Cytogenetic location: 2q37.3.
Variant type: single nucleotide variant.
Coding change: c.4813C>T on transcript NM_001244008.2 (MANE Select); coding-DNA position 4813, C replaced by T.
Protein change: p.Pro1605Ser; replaces proline 1605 with serine.
Molecular consequence: missense variant.
Genome position (GRCh38, 1-based): chr2:240,720,969, G>A on the plus strand (C>T on the coding strand, the complement: KIF1A is on the minus strand). VCF-style: chr2-240720969-G-A. GRCh37 (hg19) VCF-style: chr2-241660386-G-A.
Other names: c.4537C>T, p.Pro1513Ser (NM_001320705.2, NM_001379649.1); c.4564C>T, p.Pro1522Ser (NM_001330289.2); c.4612C>T, p.Pro1538Ser (NM_001330290.2, NM_001379648.1); c.4888C>T, p.Pro1630Ser (NM_001379631.1); c.4789C>T, p.Pro1597Ser (NM_001379632.1); c.4786C>T, p.Pro1596Ser (NM_001379633.1, NM_001379645.1); c.4639C>T, p.Pro1547Ser (NM_001379634.1); c.4636C>T, p.Pro1546Ser (NM_001379635.1, NM_001379646.1); and 7 more; short protein forms P1504S, P1605S, P1538S, P1513S, P1522S, P1503S, P1512S, P1521S.
Identifiers: ClinVar variation 447655 (VCV000447655.2), dbSNP rs916993059, ClinGen allele CA68135539.
Genomic context (GRCh38, chr2:240,720,969, plus strand): 5'-CTCACCTCAGGTCAGTGGCACCGTACCGCCCTTCAACCAGAGAGGGGCAAGTGGAGGAGG[G>A]GGTGAGAGTGGCCACCCCTAGAGGGGACATCGACGGGTCCCGGAGCAGGGTGACAGACAT-3'
Protein context (NP_001230937.1, residues 1595-1615): MSPLGVATLT[Pro1605Ser]SSTCPSLVEG

ClinVar aggregate classification (germline): Uncertain significance. Review status: criteria provided, multiple submitters, no conflicts (2 of 4 stars). 2 submissions from 2 submitters: Uncertain significance (2). Last evaluated 2025-02-06.

Allele frequency attached by ClinVar (database versions not stated): gnomAD exomes below 0.00001; gnomAD 0.00001; TOPMed 0.00001.
gnomAD v4.1: 3 of 1,605,210 alleles (0.00019%); highest among the groups gnomAD compares: African/African-American, 0.0013%; no homozygotes.

Submissions (2):

Women's Health and Genetics/Laboratory Corporation of America, LabCorp
Classification: Uncertain significance. Last evaluated: 2025-02-06. Review status: criteria provided, single submitter. Criteria: LabCorp Variant Classification Summary - May 2015. Collection method: clinical testing. Allele origin: germline.
Comment: Variant summary: KIF1A c.4510C>T (p.Pro1504Ser) results in a non-conservative amino acid change in the encoded protein sequence. Three of five in-silico tools predict a benign effect of the variant on protein function. The variant allele was found at a frequency of 4.3e-06 in 233612 control chromosomes. The available data on variant occurrences in the general population are insufficient to allow any conclusion about variant significance. To our knowledge, no occurrence of c.4510C>T in individuals affected with KIF1A-related disorders and no experimental evidence demonstrating its impact on protein function have been reported. ClinVar contains an entry for this variant (Variation ID: 447655). Based on the evidence outlined above, the variant was classified as uncertain significance.

Athena Diagnostics
Classification: Uncertain significance. Last evaluated: 2016-12-29. Review status: criteria provided, single submitter. Criteria: Athena Diagnostics Criteria. Collection method: clinical testing. Allele origin: germline.